The following is an entry in ClinVar:

NM_003764.4(STX11):c.268_276del (p.Ala90_Ala92del)

Gene: STX11 (syntaxin 11; plus strand). Cytogenetic location: 6q24.2.
Variant type: Deletion.
Coding change: c.268_276del on transcript NM_003764.4 (MANE Select); coding-DNA positions 268 to 276, 9 bases deleted (GCCAAGGCC; older notation c.268_276delGCCAAGGCC).
Protein change: p.Ala90_Ala92del.
Molecular consequence: inframe deletion.
Genome position (GRCh38, 1-based): chr6:144,186,895-144,186,903, GCCAAGGCC deleted; deleting any 9 consecutive bases within chr6:144,186,894-144,186,903 gives the same sequence; the c. name uses the placement nearest the transcript's 3' end. VCF-style (leftmost placement, unchanged base first): chr6-144186893-TCGCCAAGGC-T. GRCh37 (hg19) VCF-style: chr6-144508030-TCGCCAAGGC-T.
Identifiers: ClinVar variation 1496752 (VCV001496752.8), dbSNP rs2128756943, ClinGen allele CA2573140694.
Genomic context (GRCh38, chr6:144,186,893, plus strand): 5'-ACGCCCGCTTCCTCACGTCCATGCGGCGCCTCAGCAGCATCAAGCGCGACACCAACTCCA[TCGCCAAGGC>T]CATCAAGGCCCGGGGCGAGGTCATCCACTGCAAGCTGCGCGCCATGAAGGAGCTGAGCGA-3'

ClinVar aggregate classification (germline): Uncertain significance (1 of 4 stars; one submission).

Conditions:
Familial hemophagocytic lymphohistiocytosis 4 (FHL4). Also called: STX11-Related Familial Hemophagocytic Lymphohistiocytosis (STX11-fHLH). Identifiers: Orphanet 540, MedGen C1863728, MONDO:0011336, OMIM 603552.

Submission:

Labcorp Genetics (formerly Invitae), Labcorp
Classification: Uncertain significance for Familial hemophagocytic lymphohistiocytosis 4. Last evaluated: 2024-10-29. Review status: criteria provided, single submitter. Criteria: Invitae Variant Classification Sherloc (09022015). Collection method: clinical testing. Allele origin: germline.
Comment: This variant, c.268_276del, results in the deletion of 3 amino acid(s) of the STX11 protein (p.Ala90_Ala92del), but otherwise preserves the integrity of the reading frame. This variant is not present in population databases (gnomAD no frequency). This variant has not been reported in the literature in individuals affected with STX11-related conditions. ClinVar contains an entry for this variant (Variation ID: 1496752). Experimental studies and prediction algorithms are not available or were not evaluated, and the functional significance of this variant is currently unknown. In summary, the available evidence is currently insufficient to determine the role of this variant in disease. Therefore, it has been classified as a Variant of Uncertain Significance.